The following is an entry in ClinVar:

NM_000143.4(FH):c.900del (p.Thr301fs)

Gene: FH (fumarate hydratase; minus strand). Cytogenetic location: 1q43.
Variant type: Deletion.
Coding change: c.900del on transcript NM_000143.4 (MANE Select); coding-DNA position 900, one base deleted (T; older notation c.900delT).
Protein change: p.Thr301fs; shifts the reading frame from threonine 301.
Molecular consequence: frameshift variant.
Genome position (GRCh38, 1-based): chr1:241,506,007, A deleted on the plus strand (T on the coding strand, the reverse complement: FH is on the minus strand); the first of 2 consecutive A bases (chr1:241,506,007-241,506,008); deleting either gives the same sequence. VCF-style (leftmost placement, unchanged base first): chr1-241506006-TA-T. GRCh37 (hg19) VCF-style: chr1-241669306-TA-T.
Other names: c.900delT (NM_000143.3); short protein forms T301fs.
Identifiers: ClinVar variation 3648600 (VCV003648600.3).

ClinVar aggregate classification (germline): Pathogenic. Review status: criteria provided, multiple submitters, no conflicts (2 of 4 stars). 2 submissions from 2 submitters: Pathogenic (2). Last evaluated 2025-06-06.

Conditions:
Hereditary cancer-predisposing syndrome. Also called: Neoplastic Syndromes, Hereditary; Tumor predisposition; Hereditary neoplastic syndrome; Hereditary Cancer Syndrome. Identifiers: Orphanet 140162, MedGen C0027672, MeSH D009386, MONDO:0015356.

Submissions (2):

Ambry Genetics
Classification: Pathogenic for Hereditary cancer-predisposing syndrome. Last evaluated: 2025-06-06. Review status: criteria provided, single submitter. Criteria: Ambry Variant Classification Scheme 2023. Collection method: clinical testing. Allele origin: germline.
Comment: The c.900delT pathogenic mutation, located in coding exon 6 of the FH gene, results from a deletion of one nucleotide at nucleotide position 900, causing a translational frameshift with a predicted alternate stop codon (p.T301Qfs*28). This variant is considered to be rare based on population cohorts in the Genome Aggregation Database (gnomAD). This alteration is expected to result in loss of function by premature protein truncation or nonsense-mediated mRNA decay. As such, this alteration is interpreted as a disease-causing mutation.

Labcorp Genetics (formerly Invitae), Labcorp
Classification: Pathogenic. Last evaluated: 2024-04-03. Review status: criteria provided, single submitter. Criteria: Invitae Variant Classification Sherloc (09022015). Collection method: clinical testing. Allele origin: germline.
Comment: This sequence change creates a premature translational stop signal (p.Thr301Glnfs*28) in the FH gene. It is expected to result in an absent or disrupted protein product. Loss-of-function variants in FH are known to be pathogenic (PMID: 11865300, 21398687). This variant is not present in population databases (gnomAD no frequency). This variant has not been reported in the literature in individuals affected with FH-related conditions. For these reasons, this variant has been classified as Pathogenic.

Literature cited by the submitters: PubMed 11865300 (cited by Labcorp Genetics (formerly Invitae), Labcorp); PubMed 21398687 (cited by Labcorp Genetics (formerly Invitae), Labcorp).